The following is an entry in ClinVar:

NM_000094.4(COL7A1):c.1041G>A (p.Trp347Ter)

Gene: COL7A1 (collagen type VII alpha 1 chain; minus strand). Cytogenetic location: 3p21.31.
Variant type: single nucleotide variant.
Coding change: c.1041G>A on transcript NM_000094.4 (MANE Select); coding-DNA position 1041, G replaced by A.
Protein change: p.Trp347Ter; replaces tryptophan 347 with a stop codon.
Molecular consequence: nonsense.
Genome position (GRCh38, 1-based): chr3:48,592,403, C>T on the plus strand (G>A on the coding strand, the complement: COL7A1 is on the minus strand). VCF-style: chr3-48592403-C-T. GRCh37 (hg19) VCF-style: chr3-48629836-C-T.
Other names: short protein forms W347*.
Identifiers: ClinVar variation 5015498 (VCV005015498.1).

ClinVar aggregate classification (germline): Pathogenic (1 of 4 stars; one submission).

Conditions:
Recessive dystrophic epidermolysis bullosa (RDEB). Also called: DYSTROPHIC EPIDERMOLYSIS BULLOSA, AUTOSOMAL RECESSIVE; EPIDERMOLYSIS BULLOSA DYSTROPHICA, HALLOPEAU-SIEMENS TYPE; Hallopeau-Siemens Disease; severe generalized recessive dystrophic epidermolysis bullosa; EPIDERMOLYSIS BULLOSA DYSTROPHICA, GENERALIZED SEVERE, AUTOSOMAL RECESSIVE; Epidermolysis Bullosa Distrophica Autosomal Recessive (RDEB). Identifiers: Orphanet 79408, Orphanet 79409, MedGen C0079474, MONDO:0009179, OMIM 226600.

gnomAD v4.1: 1 of 1,613,802 alleles (0.000062%); highest among the groups gnomAD compares: Non-Finnish European, 0.000085%; no homozygotes.

Submission:

Myriad Genetics, Inc.
Classification: Pathogenic for Recessive dystrophic epidermolysis bullosa. Last evaluated: 2026-01-28. Review status: criteria provided, single submitter. Criteria: Myriad Autosomal Dominant, Autosomal Recessive and X-Linked Classification Criteria (2023). Collection method: clinical testing. Allele origin: unknown.
Comment: NM_000094.3(COL7A1):c.1041G>A(W347*) is expected to be pathogenic in the context of dystrophic epidermolysis bullosa. This variant is predicted to lead to an abnormal or absent protein product due to the creation of a premature termination codon in COL7A1, a gene where loss-of-function variants are known to be pathogenic. Please note: this variant was assessed in the context of healthy population screening.